The following is an entry in ClinVar:

NM_000154.2(GALK1):c.1A>G (p.Met1Val)

Gene: GALK1 (galactokinase 1; minus strand). Cytogenetic location: 17q25.1.
Variant type: single nucleotide variant.
Coding change: c.1A>G on transcript NM_000154.2 (MANE Select); coding-DNA position 1, A replaced by G.
Protein change: p.Met1Val; changes the start codon (methionine 1).
Molecular consequence: missense variant, initiator codon variant.
Genome position (GRCh38, 1-based): chr17:75,765,136, T>C on the plus strand (A>G on the coding strand, the complement: GALK1 is on the minus strand). VCF-style: chr17-75765136-T-C. GRCh37 (hg19) VCF-style: chr17-73761217-T-C.
Other names: c.1A>G (NM_000154.1); c.1A>G, p.Met1Val (NM_001381985.1); short protein forms M1V.
Identifiers: ClinVar variation 2724583 (VCV002724583.4), dbSNP rs1311294794, ClinGen allele CA401110680.

ClinVar aggregate classification (germline): Pathogenic. Review status: criteria provided, multiple submitters, no conflicts (2 of 4 stars). 2 submissions from 2 submitters: Pathogenic (2). Last evaluated 2025-08-11.

Conditions:
Deficiency of galactokinase. Also called: GALACTOSEMIA II; Galactokinase deficiency with cataracts. Identifiers: Orphanet 352, Orphanet 79237, MedGen C0268155, MONDO:0009255, OMIM 230200.

Allele frequency attached by ClinVar (database versions not stated): gnomAD exomes below 0.00001.

Submissions (2):

Natera, Inc.
Classification: Pathogenic for Deficiency of galactokinase. Last evaluated: 2025-08-11. Review status: criteria provided, single submitter. Criteria: Natera Variant Classification Schema (03/2026). Collection method: clinical testing. Allele origin: germline.
Comment: The c.1A>G variant in GALK1 is predicted to result in start loss due to disruption of the initiator methionine. This variant is expected to result in nonsense mediated decay, truncation, or a dysfunctional protein product. This variant is rare in the general population with a frequency below the threshold expected for the associated phenotype(s). This variant has been observed in one or more individuals affected with the associated recessive disease, as either homozygous or compound heterozygous with a second variant (PMID: 28429145). Given the available evidence, this variant is classified as Pathogenic.

Labcorp Genetics (formerly Invitae), Labcorp
Classification: Pathogenic for Deficiency of galactokinase. Last evaluated: 2023-04-13. Review status: criteria provided, single submitter. Criteria: Invitae Variant Classification Sherloc (09022015). Collection method: clinical testing. Allele origin: germline.
Comment: For these reasons, this variant has been classified as Pathogenic. This variant disrupts a region of the GALK1 protein in which other variant(s) (p.Pro28Thr) have been determined to be pathogenic (PMID: 10521295, 11978883, 11978884, 12647253, 21290184). This suggests that this is a clinically significant region of the protein, and that variants that disrupt it are likely to be disease-causing. Disruption of the initiator codon has been observed in individual(s) with GALK1-related conditions (PMID: 28429145). This variant is present in population databases (no rsID available, gnomAD 0.007%). This sequence change affects the initiator methionine of the GALK1 mRNA. The next in-frame methionine is located at codon 55.

Literature cited by the submitters: PubMed 28429145 (cited by Natera, Inc. and Labcorp Genetics (formerly Invitae), Labcorp); PubMed 10521295 (cited by Labcorp Genetics (formerly Invitae), Labcorp); PubMed 11978883 (cited by Labcorp Genetics (formerly Invitae), Labcorp); PubMed 11978884 (cited by Labcorp Genetics (formerly Invitae), Labcorp); PubMed 12647253 (cited by Labcorp Genetics (formerly Invitae), Labcorp); PubMed 21290184 (cited by Labcorp Genetics (formerly Invitae), Labcorp).